The following is an entry in ClinVar:

ClinVar aggregate classification (germline): Likely benign. Review status: criteria provided, multiple submitters, no conflicts (2 of 4 stars). 3 submissions from 3 submitters: Likely benign (3). Last evaluated 2025-04-08.

Allele frequency attached by ClinVar (database versions not stated): ExAC 0.00001; gnomAD exomes 0.00002 and 0.00006; gnomAD 0.00004; TOPMed 0.00006.
gnomAD v4.1: 95 of 1,613,738 alleles (0.0059%); highest among the groups gnomAD compares: Non-Finnish European, 0.0072%; no homozygotes.

Submissions (3):

Labcorp Genetics (formerly Invitae), Labcorp
Classification: Likely benign. Last evaluated: 2025-04-08. Review status: criteria provided, single submitter. Criteria: Invitae Variant Classification Sherloc (09022015). Collection method: clinical testing. Allele origin: germline.

Ambry Genetics
Classification: Likely benign. Last evaluated: 2020-02-07. Review status: criteria provided, single submitter. Criteria: Ambry Variant Classification Scheme 2023. Collection method: clinical testing. Allele origin: germline.

GeneDx
Classification: Likely benign. Last evaluated: 2017-05-25. Review status: criteria provided, single submitter. Criteria: GeneDx Variant Classification (06012015). Collection method: clinical testing. Allele origin: germline. Affected: yes.
Comment: This variant is considered likely benign or benign based on one or more of the following criteria: it is a conservative change, it occurs at a poorly conserved position in the protein, it is predicted to be benign by multiple in silico algorithms, and/or has population frequency not consistent with disease.

NM_144670.6(A2ML1):c.1440T>C (p.Asp480=)

Gene: A2ML1 (alpha-2-macroglobulin like 1; plus strand). Cytogenetic location: 12p13.31.
Variant type: single nucleotide variant.
Coding change: c.1440T>C on transcript NM_144670.6 (MANE Select); coding-DNA position 1440, T replaced by C.
Protein change: p.Asp480=; no amino-acid change (aspartic acid 480 retained).
Molecular consequence: synonymous variant.
Genome position (GRCh38, 1-based): chr12:8,843,325, T>C. VCF-style: chr12-8843325-T-C. GRCh37 (hg19) VCF-style: chr12-8995921-T-C.
Identifiers: ClinVar variation 509791 (VCV000509791.12), dbSNP rs764291805, ClinGen allele CA6435653.